The following is an entry in ClinVar:

NC_000016.9:g.(?_89836111)_(89883033_?)del

Gene: FANCA (FA complementation group A; minus strand). Cytogenetic location: 16q24.3.
Variant type: Deletion.
Identifiers: ClinVar variation 1458649 (VCV001458649.4).

ClinVar aggregate classification (germline): Pathogenic (1 of 4 stars; one submission).

Conditions:
Fanconi anemia (FA). Also called: Fanconi's anemia. Identifiers: Orphanet 84, MedGen C0015625, MeSH D005199, MONDO:0019391.

Submission:

Labcorp Genetics (formerly Invitae), Labcorp
Classification: Pathogenic for Fanconi anemia. Last evaluated: 2022-10-03. Review status: criteria provided, single submitter. Criteria: Invitae Variant Classification Sherloc (09022015). Collection method: clinical testing. Allele origin: germline.
Comment: This variant is a gross deletion of the genomic region encompassing exon(s) 1-26 of the FANCA gene, which includes the initiator codon. This deletion extends beyond the assayed region for this gene and therefore may encompass additional genes. It is expected to result in an absent or disrupted protein product. Loss-of-function variants in FANCA are known to be pathogenic (PMID: 19367192). A similar copy number variant has been observed in individual(s) with Fanconi anemia (PMID: 27041517). For these reasons, this variant has been classified as Pathogenic.

Literature cited by the submitters: PubMed 19367192; PubMed 27041517.